The following is an entry in ClinVar:

ClinVar aggregate classification (germline): Uncertain significance (1 of 4 stars; one submission).

Allele frequency attached by ClinVar (database versions not stated): ExAC 0.00001; 1000 Genomes Project 30x 0.00016; 1000 Genomes Project 0.00020.
gnomAD v4.1: 27 of 1,613,382 alleles (0.0017%); highest among the groups gnomAD compares: Non-Finnish European, 0.0022%; no homozygotes.

Submission:

CeGaT Center for Human Genetics Tuebingen
Classification: Uncertain significance. Last evaluated: 2024-06-01. Review status: criteria provided, single submitter. Criteria: CeGaT Center For Human Genetics Tuebingen Variant Classification Criteria Version 2. Collection method: clinical testing. Allele origin: germline. Affected: yes. Observed: 1 variant allele.
Comment: EPS8L3: PM2:Supporting, BP4

NM_133181.4(EPS8L3):c.1165T>G (p.Ser389Ala)

Gene: EPS8L3 (EPS8 signaling adaptor L3; minus strand). Cytogenetic location: 1p13.3.
Variant type: single nucleotide variant.
Coding change: c.1165T>G on transcript NM_133181.4 (MANE Select); coding-DNA position 1165, T replaced by G.
Protein change: p.Ser389Ala; replaces serine 389 with alanine.
Molecular consequence: missense variant.
Genome position (GRCh38, 1-based): chr1:109,753,152, A>C on the plus strand (T>G on the coding strand, the complement: EPS8L3 is on the minus strand). VCF-style: chr1-109753152-A-C. GRCh37 (hg19) VCF-style: chr1-110295774-A-C.
Other names: c.1066T>G, p.Ser356Ala (NM_001319952.2); c.1165T>G, p.Ser389Ala (NM_024526.4); c.1168T>G, p.Ser390Ala (NM_139053.3); short protein forms S356A, S389A, S390A.
Identifiers: ClinVar variation 3250820 (VCV003250820.18), dbSNP rs139620733.
Genomic context (GRCh38, chr1:109,753,152, plus strand): 5'-GGGCTCTATGCCAAGCTCCCCTTACTTGGCTGGAGGGCTCTGGAAGTTGCCAGTCATCTG[A>C]GAATGTGGGTTGGTAGGGCAGGGGCTCATCGCCTGTCCAGTCGGCCCTGAAGAGGGAAAC-3'
Protein context (NP_573444.2, residues 379-399): DEPLPYQPTF[Ser389Ala]DDWQLPEPSS